The following is an entry in ClinVar:

ClinVar aggregate classification (germline): Benign (1 of 4 stars; one submission).

Allele frequency attached by ClinVar (database versions not stated): gnomAD 0.07974 and 0.08770; TOPMed 0.08083; 1000 Genomes Project 30x 0.14897; 1000 Genomes Project 0.15455.
gnomAD v4.1: 13,233 of 152,124 alleles (8.7%); highest among the groups gnomAD compares: South Asian, 29%; 881 homozygotes.

Submission:

GeneDx
Classification: Benign. Last evaluated: 2018-06-14. Review status: criteria provided, single submitter. Criteria: GeneDx Variant Classification (06012015). Collection method: clinical testing. Allele origin: germline. Affected: yes.
Comment: This variant is considered likely benign or benign based on one or more of the following criteria: it is a conservative change, it occurs at a poorly conserved position in the protein, it is predicted to be benign by multiple in silico algorithms, and/or has population frequency not consistent with disease.

NM_005005.3(NDUFB9):c.409-304T>G

Gene: NDUFB9 (NADH:ubiquinone oxidoreductase subunit B9; plus strand). Cytogenetic location: 8q24.13.
Variant type: single nucleotide variant.
Coding change: c.409-304T>G on transcript NM_005005.3 (MANE Select); 304 bases into the intron before coding-DNA position 409, T replaced by G.
Molecular consequence: intron variant.
Genome position (GRCh38, 1-based): chr8:124,549,457, T>G. VCF-style: chr8-124549457-T-G. GRCh37 (hg19) VCF-style: chr8-125561698-T-G.
Other names: c.280-304T>G (NM_001278646.2); c.376-304T>G (NM_001311168.2); c.241-304T>G (NM_001278645.2).
Identifiers: ClinVar variation 669512 (VCV000669512.1), dbSNP rs72714707, ClinGen allele CA15543982.